The following is an entry in ClinVar:

NM_032802.4(SPPL2A):c.1204C>T (p.Leu402Phe)

Gene: SPPL2A (signal peptide peptidase like 2A; minus strand). Cytogenetic location: 15q21.2.
Variant type: single nucleotide variant.
Coding change: c.1204C>T on transcript NM_032802.4 (MANE Select); coding-DNA position 1204, C replaced by T.
Protein change: p.Leu402Phe; replaces leucine 402 with phenylalanine.
Molecular consequence: missense variant.
Genome position (GRCh38, 1-based): chr15:50,725,266, G>A on the plus strand (C>T on the coding strand, the complement: SPPL2A is on the minus strand). VCF-style: chr15-50725266-G-A. GRCh37 (hg19) VCF-style: chr15-51017463-G-A.
Other names: short protein forms L402F.
Identifiers: ClinVar variation 1722185 (VCV001722185.5), dbSNP rs2542806793, ClinGen allele CA392408774.

ClinVar aggregate classification (germline): Uncertain significance (1 of 4 stars; one submission).

Submission:

Labcorp Genetics (formerly Invitae), Labcorp
Classification: Uncertain significance. Last evaluated: 2022-10-26. Review status: criteria provided, single submitter. Criteria: Invitae Variant Classification Sherloc (09022015). Collection method: clinical testing. Allele origin: germline.
Comment: This sequence change replaces leucine, which is neutral and non-polar, with phenylalanine, which is neutral and non-polar, at codon 402 of the SPPL2A protein (p.Leu402Phe). This variant is not present in population databases (gnomAD no frequency). This variant has not been reported in the literature in individuals affected with SPPL2A-related conditions. Algorithms developed to predict the effect of missense changes on protein structure and function output the following: SIFT: "Tolerated"; PolyPhen-2: "Benign"; Align-GVGD: "Class C0". The phenylalanine amino acid residue is found in multiple mammalian species, which suggests that this missense change does not adversely affect protein function. In summary, the available evidence is currently insufficient to determine the role of this variant in disease. Therefore, it has been classified as a Variant of Uncertain Significance.